The following is an entry in ClinVar:

ClinVar aggregate classification (germline): Uncertain significance (1 of 4 stars; one submission).

Allele frequency attached by ClinVar (database versions not stated): TOPMed below 0.00001.

Submission:

Labcorp Genetics (formerly Invitae), Labcorp
Classification: Uncertain significance. Last evaluated: 2022-11-09. Review status: criteria provided, single submitter. Criteria: Invitae Variant Classification Sherloc (09022015). Collection method: clinical testing. Allele origin: germline.
Comment: In summary, the available evidence is currently insufficient to determine the role of this variant in disease. Therefore, it has been classified as a Variant of Uncertain Significance. Advanced modeling of protein sequence and biophysical properties (such as structural, functional, and spatial information, amino acid conservation, physicochemical variation, residue mobility, and thermodynamic stability) performed at Invitae indicates that this missense variant is not expected to disrupt CTNNA1 protein function. ClinVar contains an entry for this variant (Variation ID: 1046447). This variant has not been reported in the literature in individuals affected with CTNNA1-related conditions. This variant is not present in population databases (gnomAD no frequency). This sequence change replaces asparagine, which is neutral and polar, with histidine, which is basic and polar, at codon 257 of the CTNNA1 protein (p.Asn257His).

NM_001903.5(CTNNA1):c.769A>C (p.Asn257His)

Gene: CTNNA1 (catenin alpha 1; plus strand). Cytogenetic location: 5q31.2.
Variant type: single nucleotide variant.
Coding change: c.769A>C on transcript NM_001903.5 (MANE Select); coding-DNA position 769, A replaced by C.
Protein change: p.Asn257His; replaces asparagine 257 with histidine.
Molecular consequence: missense variant.
Genome position (GRCh38, 1-based): chr5:138,824,710, A>C. VCF-style: chr5-138824710-A-C. GRCh37 (hg19) VCF-style: chr5-138160399-A-C.
Other names: c.769A>C, p.Asn257His (NM_001290307.3, NM_001323982.2, NM_001323983.1 and 3 more transcripts); c.460A>C, p.Asn154His (NM_001290309.3); c.400A>C, p.Asn134His (NM_001290310.3); short protein forms N154H, N134H, N257H.
Identifiers: ClinVar variation 1046447 (VCV001046447.8), dbSNP rs1407898928, ClinGen allele CA361129967.